The following is an entry in ClinVar:

NM_001958.5(EEF1A2):c.790G>A (p.Val264Met)

Gene: EEF1A2 (eukaryotic translation elongation factor 1 alpha 2; minus strand). Cytogenetic location: 20q13.33.
Variant type: single nucleotide variant.
Coding change: c.790G>A on transcript NM_001958.5 (MANE Select); coding-DNA position 790, G replaced by A.
Protein change: p.Val264Met; replaces valine 264 with methionine.
Molecular consequence: missense variant.
Genome position (GRCh38, 1-based): chr20:63,490,718, C>T on the plus strand (G>A on the coding strand, the complement: EEF1A2 is on the minus strand). VCF-style: chr20-63490718-C-T. GRCh37 (hg19) VCF-style: chr20-62122071-C-T.
Other names: short protein forms V264M.
Identifiers: ClinVar variation 1801962 (VCV001801962.1), dbSNP rs2516775531, ClinGen allele CA409648069.

ClinVar aggregate classification (germline): Uncertain significance (1 of 4 stars; one submission).

Allele frequency attached by ClinVar (database versions not stated): gnomAD exomes below 0.00001.
gnomAD v4.1: 1 of 1,602,588 alleles (0.000062%); highest among the groups gnomAD compares: Non-Finnish European, 0.000085%; no homozygotes.

Submission:

GeneDx
Classification: Uncertain significance. Last evaluated: 2022-06-03. Review status: criteria provided, single submitter. Criteria: GeneDx Variant Classification Process June 2021. Collection method: clinical testing. Allele origin: germline. Affected: yes.
Comment: Not observed at significant frequency in large population cohorts (gnomAD); In silico analysis supports that this missense variant does not alter protein structure/function; Has not been previously published as pathogenic or benign to our knowledge